The following is an entry in ClinVar:

NM_006030.4(CACNA2D2):c.2611G>C (p.Glu871Gln)

Genes: CACNA2D2 (calcium voltage-gated channel auxiliary subunit alpha2delta 2; minus strand), LOC101928965 (uncharacterized LOC101928965; plus strand), LOC127898564 (CYB561D2-LOC101928965; plus strand). Cytogenetic location: 3p21.31.
Variant type: single nucleotide variant.
Coding change: c.2611G>C on transcript NM_006030.4 (MANE Select); coding-DNA position 2611, G replaced by C.
Protein change: p.Glu871Gln; replaces glutamic acid 871 with glutamine.
Molecular consequence: missense variant.
Genome position (GRCh38, 1-based): chr3:50,366,604, C>G on the plus strand (G>C on the coding strand, the complement: CACNA2D2 is on the minus strand). VCF-style: chr3-50366604-C-G. GRCh37 (hg19) VCF-style: chr3-50404035-C-G.
Other names: c.2611G>C, p.Glu871Gln (NM_001005505.3); c.2632G>C, p.Glu878Gln (NM_001174051.3); c.2404G>C, p.Glu802Gln (NM_001291101.1); short protein forms E871Q, E878Q, E802Q.
Identifiers: ClinVar variation 579736 (VCV000579736.4), dbSNP rs201759671, ClinGen allele CA74607411.
Genomic context (GRCh38, chr3:50,366,604, plus strand): 5'-GCTAGGGTCCAGGGTAGGTTCAGGGCACACACACCTCATTGTTAACCTCGCAGTCCATCT[C>G]ACAGTGGCTGTTGGGGCCGCACTGCTGGGCAGAGAGTGAGGACCGTAAGCCACCCACCAG-3'
Protein context (NP_006021.2, residues 861-881): PQKCGPNSHC[Glu871Gln]MDCEVNNEDL

ClinVar aggregate classification (germline): Uncertain significance (1 of 4 stars; one submission).

Conditions:
Developmental and epileptic encephalopathy. Identifiers: MedGen C5779964, MONDO:0100620.

Allele frequency attached by ClinVar (database versions not stated): TOPMed below 0.00001; gnomAD 0.00001; gnomAD exomes 0.00001.
gnomAD v4.1: 13 of 1,613,898 alleles (0.00081%); highest among the groups gnomAD compares: Non-Finnish European, 0.0011%; no homozygotes.

Submission:

Labcorp Genetics (formerly Invitae), Labcorp
Classification: Uncertain significance for Early-infantile DEE. Last evaluated: 2021-09-01. Review status: criteria provided, single submitter. Criteria: Invitae Variant Classification Sherloc (09022015). Collection method: clinical testing. Allele origin: germline.
Comment: This sequence change replaces glutamic acid with glutamine at codon 871 of the CACNA2D2 protein (p.Glu871Gln). The glutamic acid residue is highly conserved and there is a small physicochemical difference between glutamic acid and glutamine. This variant is not present in population databases (ExAC no frequency). This variant has not been reported in the literature in individuals affected with CACNA2D2-related conditions. Algorithms developed to predict the effect of missense changes on protein structure and function (SIFT, PolyPhen-2, Align-GVGD) all suggest that this variant is likely to be disruptive. In summary, the available evidence is currently insufficient to determine the role of this variant in disease. Therefore, it has been classified as a Variant of Uncertain Significance.